The following is an entry in ClinVar:

NM_018136.5(ASPM):c.2409G>A (p.Trp803Ter)

Gene: ASPM (assembly factor for spindle microtubules; minus strand). Cytogenetic location: 1q31.3.
Variant type: single nucleotide variant.
Coding change: c.2409G>A on transcript NM_018136.5 (MANE Select); coding-DNA position 2409, G replaced by A.
Protein change: p.Trp803Ter; replaces tryptophan 803 with a stop codon.
Molecular consequence: nonsense.
Genome position (GRCh38, 1-based): chr1:197,133,360, C>T on the plus strand (G>A on the coding strand, the complement: ASPM is on the minus strand). VCF-style: chr1-197133360-C-T. GRCh37 (hg19) VCF-style: chr1-197102490-C-T.
Other names: c.2409G>A, p.Trp803Ter (NM_001206846.2); short protein forms W803*.
Identifiers: ClinVar variation 373176 (VCV000373176.2), dbSNP rs1057518269, ClinGen allele CA16042342.

ClinVar aggregate classification (germline): Pathogenic (1 of 4 stars; one submission).

Allele frequency attached by ClinVar (database versions not stated): gnomAD exomes below 0.00001; TOPMed below 0.00001; gnomAD 0.00001.
gnomAD v4.1: 5 of 1,613,460 alleles (0.00031%); highest among the groups gnomAD compares: African/African-American, 0.0013%; no homozygotes.

Submission:

GeneDx
Classification: Pathogenic. Last evaluated: 2018-04-17. Review status: criteria provided, single submitter. Criteria: GeneDx Variant Classification (06012015). Collection method: clinical testing. Allele origin: germline. Affected: yes.
Comment: The W803X nonsense variant in the ASPM gene is predicted to cause loss of normal protein function either through protein truncation or nonsense-mediated mRNA decay. The W803X variant is not observed in large population cohorts (Lek et al., 2016). Although this pathogenic variant has not been reported previously to our knowledge, it is interpreted to be a pathogenic variant.